The following is an entry in ClinVar:

ClinVar aggregate classification (germline): Pathogenic/Likely pathogenic. Review status: criteria provided, multiple submitters, no conflicts (2 of 4 stars). 4 submissions from 4 submitters: Pathogenic (2); Likely pathogenic (1). 1 of the submissions does not count toward it. Last evaluated 2023-07-06.

Conditions:
Gastric cancer. Also called: Stomach cancer; Malignant tumor of stomach. Identifiers: MedGen C0024623, MeSH D013274, MONDO:0001056, OMIM 613659, HP:0012126.
Hereditary cancer-predisposing syndrome. Also called: Neoplastic Syndromes, Hereditary; Tumor predisposition; Hereditary Cancer Syndrome; Hereditary neoplastic syndrome. Identifiers: Orphanet 140162, MedGen C0027672, MeSH D009386, MONDO:0015356.
Ataxia-telangiectasia syndrome (AT). Also called: Ataxia telangiectasia (A-T); LOUIS-BAR SYNDROME; Cerebello-oculocutaneous telangiectasia; Immunodeficiency with ataxia telangiectasia; Ataxia-telangiectasia, complementation group D; AT, COMPLEMENTATION GROUP C. Identifiers: Orphanet 100, MedGen C0004135, MONDO:0008840, OMIM 208900.

Submissions (4):

Ambry Genetics
Classification: Pathogenic for Hereditary cancer-predisposing syndrome. Last evaluated: 2023-07-06. Review status: criteria provided, single submitter. Criteria: Ambry Variant Classification Scheme 2023. Collection method: clinical testing. Allele origin: germline.
Comment: The c.2140delA variant, located in coding exon 13 of the ATM gene, results from a deletion of one nucleotide at nucleotide position 2140, causing a translational frameshift with a predicted alternate stop codon (p.T714Lfs*21). This variant is considered to be rare based on population cohorts in the Genome Aggregation Database (gnomAD). This alteration is expected to result in loss of function by premature protein truncation or nonsense-mediated mRNA decay. As such, this alteration is interpreted as a disease-causing mutation.

Labcorp Genetics (formerly Invitae), Labcorp
Classification: Pathogenic for Ataxia-telangiectasia syndrome. Last evaluated: 2022-11-28. Review status: criteria provided, single submitter. Criteria: Invitae Variant Classification Sherloc (09022015). Collection method: clinical testing. Allele origin: germline.
Comment: For these reasons, this variant has been classified as Pathogenic. ClinVar contains an entry for this variant (Variation ID: 841206). This variant has not been reported in the literature in individuals affected with ATM-related conditions. This variant is not present in population databases (gnomAD no frequency). This sequence change creates a premature translational stop signal (p.Thr714Leufs*21) in the ATM gene. It is expected to result in an absent or disrupted protein product. Loss-of-function variants in ATM are known to be pathogenic (PMID: 23807571, 25614872).

Women's Health and Genetics/Laboratory Corporation of America, LabCorp
Classification: Likely pathogenic for Ataxia-telangiectasia syndrome. Last evaluated: 2020-03-20. Review status: criteria provided, single submitter. Criteria: LabCorp Variant Classification Summary - May 2015. Collection method: clinical testing. Allele origin: germline.
Comment: Variant summary: ATM c.2140delA (p.Thr714LeufsX21) results in a premature termination codon, predicted to cause a truncation of the encoded protein or absence of the protein due to nonsense mediated decay, which are commonly known mechanisms for disease. Truncations downstream of this position have been classified as pathogenic by our laboratory. The variant was absent in 249916 control chromosomes. c.2140delA has not been reported in the literature in individuals affected with Ataxia-Telangiectasia or breast cancer. To our knowledge, no experimental evidence demonstrating an impact on protein function has been reported. No clinical diagnostic laboratories have submitted clinical-significance assessments for this variant to ClinVar after 2014. Based on the evidence outlined above, the variant was classified as likely pathogenic.

Laboratory for Genotyping Development, RIKEN
Classification: Pathogenic for Gastric cancer. Last evaluated: 2021-07-01. Review status: no assertion criteria provided. Collection method: research. Allele origin: germline. Not counted in ClinVar's aggregate classification.

Literature cited by the submitters: PubMed 23807571 (cited by Labcorp Genetics (formerly Invitae), Labcorp); PubMed 25614872 (cited by Labcorp Genetics (formerly Invitae), Labcorp); PubMed 30287823 (cited by Women's Health and Genetics/Laboratory Corporation of America, LabCorp); PubMed 36988593 (cited by Laboratory for Genotyping Development, RIKEN).

NM_000051.4(ATM):c.2140del (p.Thr714fs)

Gene: ATM (ATM serine/threonine kinase; plus strand). Cytogenetic location: 11q22.3.
Variant type: Deletion.
Coding change: c.2140del on transcript NM_000051.4 (MANE Select); coding-DNA position 2140, one base deleted (A; older notation c.2140delA).
Protein change: p.Thr714fs; shifts the reading frame from threonine 714.
Molecular consequence: frameshift variant.
Genome position (GRCh38, 1-based): chr11:108,256,230, A deleted; the last of 3 consecutive A bases (chr11:108,256,228-108,256,230); deleting any one gives the same sequence. VCF-style (leftmost placement, unchanged base first): chr11-108256227-GA-G. GRCh37 (hg19) VCF-style: chr11-108126954-GA-G.
Other names: c.2140delA (NM_000051.3); c.2140del, p.Thr714fs (NM_001351834.2); short protein forms T714fs.
Identifiers: ClinVar variation 841206 (VCV000841206.27), dbSNP rs2080473458, ClinGen allele CA916080463.